The following is an entry in ClinVar:

NM_145868.2(ANXA11):c.1102G>A (p.Gly368Arg)

Gene: ANXA11 (annexin A11; minus strand). Cytogenetic location: 10q22.3.
Variant type: single nucleotide variant.
Coding change: c.1102G>A on transcript NM_145868.2 (MANE Select); coding-DNA position 1102, G replaced by A.
Protein change: p.Gly368Arg; replaces glycine 368 with arginine.
Molecular consequence: missense variant.
Genome position (GRCh38, 1-based): chr10:80,162,013, C>T on the plus strand (G>A on the coding strand, the complement: ANXA11 is on the minus strand). VCF-style: chr10-80162013-C-T. GRCh37 (hg19) VCF-style: chr10-81921769-C-T.
Other names: c.1102G>A, p.Gly368Arg (NM_001157.3, NM_001278407.2, NM_001278408.2 and 1 more transcripts); c.1003G>A, p.Gly335Arg (NM_001278409.2); c.1102G>A (NM_001157.2); short protein forms G335R, G368R.
Identifiers: ClinVar variation 1416254 (VCV001416254.7), dbSNP rs772333853, ClinGen allele CA377365434.
Genomic context (GRCh38, chr10:80,162,013, plus strand): 5'-GGCTCCGGGAGCACAGAACCGCATTGAACTTGGACTCGTCTGTTCCCAGGCGGTTCTCCC[C>T]GGCCGCATACAGCTCCTGGAGAGAGAGGAAGACGCACATGTGGCACAGGCCACACCCAGA-3'
Protein context (NP_665875.1, residues 358-378): QRDAQELYAA[Gly368Arg]ENRLGTDESK

ClinVar aggregate classification (germline): Uncertain significance. Review status: criteria provided, multiple submitters, no conflicts (2 of 4 stars). 2 submissions from 2 submitters: Uncertain significance (2). Last evaluated 2025-01-20.

Conditions:
Inborn genetic diseases. Identifiers: MedGen C0950123, MeSH D030342.

gnomAD v4.1: 28 of 1,611,266 alleles (0.0017%); highest among the groups gnomAD compares: East Asian, 0.0067%; no homozygotes.

Submissions (2):

Ambry Genetics
Classification: Uncertain significance for Inborn genetic diseases. Last evaluated: 2025-01-20. Review status: criteria provided, single submitter. Criteria: Ambry Variant Classification Scheme 2023. Collection method: clinical testing. Allele origin: germline.

Labcorp Genetics (formerly Invitae), Labcorp
Classification: Uncertain significance. Last evaluated: 2021-07-28. Review status: criteria provided, single submitter. Criteria: Invitae Variant Classification Sherloc (09022015). Collection method: clinical testing. Allele origin: germline.
Comment: This variant has not been reported in the literature in individuals affected with ANXA11-related conditions. This variant is not present in population databases (ExAC no frequency). This sequence change replaces glycine with arginine at codon 368 of the ANXA11 protein (p.Gly368Arg). The glycine residue is highly conserved and there is a moderate physicochemical difference between glycine and arginine. Algorithms developed to predict the effect of missense changes on protein structure and function are either unavailable or do not agree on the potential impact of this missense change (SIFT: "Deleterious"; PolyPhen-2: "Probably Damaging"; Align-GVGD: "Class C0"). In summary, the available evidence is currently insufficient to determine the role of this variant in disease. Therefore, it has been classified as a Variant of Uncertain Significance.